The following is an entry in ClinVar:

ClinVar aggregate classification (germline): Pathogenic (1 of 4 stars; one submission).

Conditions:
Mucopolysaccharidosis type 6 (MPS6). Also called: N-ACETYLGALACTOSAMINE-4-SULFATASE DEFICIENCY; MPS VI; MPS 6; Maroteaux Lamy syndrome; ARSB DEFICIENCY; ARYLSULFATASE B DEFICIENCY. Identifiers: Orphanet 583, MedGen C0026709, MONDO:0009661, OMIM 253200.

Submission:

Laboratory of Diagnosis and Therapy of Lysosomal Disorders, University of Padova
Classification: Pathogenic for Mucopolysaccharidosis type 6. Last evaluated: 2018-01-01. Review status: criteria provided, single submitter. Criteria: ACMG Guidelines, 2015. Collection method: curation. Allele origin: germline. Affected: yes.
Comment: Frameshift variant (PVS1); In vitro functional study - low to no enzyme activity (PS3)

Literature cited by the submitters: PubMed 25654180; PubMed 17458871; PubMed 24243352; PubMed 28884960; PubMed 30118150.

NM_000046.5(ARSB):c.1036del (p.Glu346fs)

Gene: ARSB (arylsulfatase B; minus strand). Cytogenetic location: 5q14.1.
Variant type: Deletion.
Coding change: c.1036del on transcript NM_000046.5 (MANE Select); coding-DNA position 1036, one base deleted (G; older notation c.1036delG).
Protein change: p.Glu346fs; shifts the reading frame from glutamic acid 346.
Molecular consequence: frameshift variant.
Genome position (GRCh38, 1-based): chr5:78,885,690, C deleted on the plus strand (G on the coding strand, the reverse complement: ARSB is on the minus strand); the first of 3 consecutive C bases (chr5:78,885,690-78,885,692); deleting any one gives the same sequence. VCF-style (leftmost placement, unchanged base first): chr5-78885689-TC-T. GRCh37 (hg19) VCF-style: chr5-78181512-TC-T.
Other names: c.1036del, p.Glu346fs (NM_198709.3); short protein forms E346fs.
Identifiers: ClinVar variation 559667 (VCV000559667.1), dbSNP rs1554079302, ClinGen allele CA658821963.